The following is an entry in ClinVar:

NM_003647.3(DGKE):c.728_731del (p.Ile242_Leu243insTer)

Gene: DGKE (diacylglycerol kinase epsilon; plus strand). Cytogenetic location: 17q22.
Variant type: Deletion.
Coding change: c.728_731del on transcript NM_003647.3 (MANE Select); coding-DNA positions 728 to 731, 4 bases deleted (TGTT; older notation c.728_731delTGTT).
Protein change: p.Ile242_Leu243insTer.
Molecular consequence: nonsense.
Genome position (GRCh38, 1-based): chr17:56,845,793-56,845,796, TGTT deleted; deleting any 4 consecutive bases within chr17:56,845,792-56,845,796 gives the same sequence; the c. name uses the placement nearest the transcript's 3' end. VCF-style (leftmost placement, unchanged base first): chr17-56845791-CTTGT-C. GRCh37 (hg19) VCF-style: chr17-54923152-CTTGT-C.
Other names: c.727_730del (NM_003647.3).
Identifiers: ClinVar variation 424621 (VCV000424621.4), dbSNP rs1064797074, ClinGen allele CA16621525.

ClinVar aggregate classification (germline): Likely pathogenic/Pathogenic, low penetrance. Review status: criteria provided, multiple submitters, no conflicts (2 of 4 stars). 2 submissions from 2 submitters: Likely pathogenic (1); Pathogenic, low penetrance (1). Last evaluated 2025-09-26.

Conditions:
Atypical hemolytic-uremic syndrome. Identifiers: Orphanet 2134, MedGen C2931788, MONDO:0016244.
Immunoglobulin-mediated membranoproliferative glomerulonephritis. Also called: NEPHROTIC SYNDROME, TYPE 7, WITH MEMBRANOPROLIFERATIVE GLOMERULONEPHRITIS; Nephrotic syndrome, type 7. Identifiers: Orphanet 329903, MedGen C3554330, MONDO:0014005, OMIM 615008.

Submissions (2):

Genomenon, Inc
Classification: Pathogenic, low penetrance for Atypical hemolytic-uremic syndrome. Last evaluated: 2025-09-26. Review status: criteria provided, single submitter. Criteria: Genomenon Sequence Variant Interpretation Standards - Updated. Collection method: curation. Allele origin: germline. Affected: yes.
Comment: DGKE p.Leu243Ter (c.727_730del) is a nonsense variant that introduces a premature stop codon at amino acid position 243, creating a truncated protein that is predicted to undergo nonsense-mediated mRNA decay. This variant has been observed in at least one proband affected with atypical hemolytic-uremic syndrome (PMID:34267444). It is absent or not present at a significant frequency in gnomAD. In conclusion, we classify DGKE p.Leu243Ter (c.727_730del) as a pathogenic, low penetrance variant.

GenePathDx, GenePath diagnostics
Classification: Likely pathogenic for atypical Haemolytic Uraemic Syndrome. Last evaluated: 2017-03-01. Review status: criteria provided, single submitter. Criteria: GenePathDx_Criteria_classificationV2. Collection method: clinical testing. Allele origin: germline. Inheritance: Autosomal recessive inheritance. Affected: yes. Observed: 1 variant allele.

Literature cited by the submitters: PubMed 34267444 (cited by Genomenon, Inc).